The following is an entry in ClinVar:

ClinVar aggregate classification (germline): Conflicting classifications of pathogenicity. Review status: criteria provided, conflicting classifications (1 of 4 stars). 2 submissions from 2 submitters: Uncertain significance (1); Likely benign (1). Last evaluated 2024-07-27.

Conditions:
Inborn genetic diseases. Identifiers: MedGen C0950123, MeSH D030342.

Allele frequency attached by ClinVar (database versions not stated): gnomAD exomes 0.00001 and 0.00002; TOPMed 0.00002; gnomAD 0.00003 and 0.00004; ExAC 0.00005; 1000 Genomes Project 30x 0.00016; 1000 Genomes Project 0.00020.
gnomAD v4.1: 24 of 1,551,244 alleles (0.0015%); highest among the groups gnomAD compares: African/African-American, 0.012%; no homozygotes.

Submissions (2):

Ambry Genetics
Classification: Likely benign for Inborn genetic diseases. Last evaluated: 2024-07-27. Review status: criteria provided, single submitter. Criteria: Ambry Variant Classification Scheme 2023. Collection method: clinical testing. Allele origin: germline.

Labcorp Genetics (formerly Invitae), Labcorp
Classification: Uncertain significance. Last evaluated: 2022-10-18. Review status: criteria provided, single submitter. Criteria: Invitae Variant Classification Sherloc (09022015). Collection method: clinical testing. Allele origin: germline.
Comment: This sequence change affects codon 1014 of the UNC80 mRNA. It is a 'silent' change, meaning that it does not change the encoded amino acid sequence of the UNC80 protein. It affects a nucleotide within the consensus splice site. This variant is present in population databases (rs572393115, gnomAD 0.01%). This variant has not been reported in the literature in individuals affected with UNC80-related conditions. ClinVar contains an entry for this variant (Variation ID: 1345835). Algorithms developed to predict the effect of sequence changes on RNA splicing suggest that this variant is not likely to affect RNA splicing. In summary, the available evidence is currently insufficient to determine the role of this variant in disease. Therefore, it has been classified as a Variant of Uncertain Significance.

NM_001371986.1(UNC80):c.3042C>T (p.His1014=)

Gene: UNC80 (unc-80 homolog, NALCN channel complex subunit; plus strand). Cytogenetic location: 2q34.
Variant type: single nucleotide variant.
Coding change: c.3042C>T on transcript NM_001371986.1 (MANE Select); coding-DNA position 3042, C replaced by T.
Protein change: p.His1014=; no amino-acid change (histidine 1014 retained).
Molecular consequence: synonymous variant.
Genome position (GRCh38, 1-based): chr2:209,839,222, C>T. VCF-style: chr2-209839222-C-T. GRCh37 (hg19) VCF-style: chr2-210703946-C-T.
Other names: c.3042C>T, p.His1014= (NM_032504.2); c.3027C>T, p.His1009= (NM_182587.4); c.3042C>T (NM_032504.1).
Identifiers: ClinVar variation 1345835 (VCV001345835.6), dbSNP rs572393115, ClinGen allele CA2083078.
Genomic context (GRCh38, chr2:209,839,222, plus strand): 5'-ATTTAGGAGAATTTCTCAAGTGTTGTCAGAAGTTTAACCCTATCCTCTGCTTGCCTACAG[C>T]GATGAACAAATGCAAGGAGCCAACTTGGGGCGGAAAGATTTCTGGCGTAAGATGTTCAAG-3'
Protein context (NP_001358915.1, residues 1004-1024): MSGRPSQTPE[His1014=]DEQMQGANLG